The following is an entry in ClinVar:

ClinVar aggregate classification (germline): Uncertain significance. Review status: criteria provided, multiple submitters, no conflicts (2 of 4 stars). 2 submissions from 2 submitters: Uncertain significance (2). Last evaluated 2022-03-18.

Allele frequency attached by ClinVar (database versions not stated): gnomAD exomes below 0.00001 and 0.00001; TOPMed below 0.00001; ExAC 0.00001; gnomAD 0.00001.

Submissions (2):

Labcorp Genetics (formerly Invitae), Labcorp
Classification: Uncertain significance. Last evaluated: 2022-03-18. Review status: criteria provided, single submitter. Criteria: Invitae Variant Classification Sherloc (09022015). Collection method: clinical testing. Allele origin: germline.
Comment: This sequence change creates a premature translational stop signal (p.Pro156Argfs*14) in the RHOBTB2 gene. It is expected to result in an absent or disrupted protein product. However, the current clinical and genetic evidence is not sufficient to establish whether loss-of-function variants in RHOBTB2 cause disease. This variant is present in population databases (rs760396479, gnomAD 0.008%). This variant has not been reported in the literature in individuals affected with RHOBTB2-related conditions. In summary, the available evidence is currently insufficient to determine the role of this variant in disease. Therefore, it has been classified as a Variant of Uncertain Significance.

Laboratorio de Genetica e Diagnostico Molecular, Hospital Israelita Albert Einstein
Classification: Uncertain significance. Last evaluated: 2021-08-16. Review status: criteria provided, single submitter. Criteria: ACMG Guidelines, 2015. Collection method: clinical testing. Allele origin: germline. Affected: yes.
Comment: ACMG classification criteria: PM2

NM_015178.3(RHOBTB2):c.401_402del (p.Pro134fs)

Gene: RHOBTB2 (Rho related BTB domain containing 2; plus strand). Cytogenetic location: 8p21.3.
Variant type: Deletion.
Coding change: c.401_402del on transcript NM_015178.3 (MANE Select); coding-DNA positions 401 to 402, 2 bases deleted (CT; older notation c.401_402delCT).
Protein change: p.Pro134fs; shifts the reading frame from proline 134.
Molecular consequence: frameshift variant.
Genome position (GRCh38, 1-based): chr8:23,006,064-23,006,065, CT deleted. VCF-style (leftmost placement, unchanged base first): chr8-23006063-CCT-C. GRCh37 (hg19) VCF-style: chr8-22863576-CCT-C.
Other names: c.467_468del, p.Pro156fs (NM_001160036.2); c.422_423del, p.Pro141fs (NM_001160037.2); c.401_402del, p.Pro134fs (NM_001374791.1); short protein forms P134fs, P141fs, P156fs.
Identifiers: ClinVar variation 1469742 (VCV001469742.8), dbSNP rs760396479, ClinGen allele CA4672447.
Genomic context (GRCh38, chr8:23,006,063, plus strand): 5'-TCCCTCCACCATGTCAAGACCATGTGGTACCCAGAAATCAAGCACTTCTGCCCCCGAGCA[CCT>C]GTCATCTTGGTGGGCTGCCAGTTGGACCTGCGCTACGCTGACCTGGAGGCTGTCAACAGG-3'